The following is an entry in ClinVar:

ClinVar aggregate classification (germline): Pathogenic. Review status: criteria provided, multiple submitters, no conflicts (2 of 4 stars). 9 submissions from 9 submitters: Pathogenic (6). 3 of the submissions do not count toward it. Last evaluated 2026-08-19.

Conditions:
IQCB1-related disorder. Also called: IQCB1-related condition.
Nephronophthisis. Also called: Juvenile Nephronophthisis. Identifiers: Orphanet 655, MedGen C0687120, MONDO:0019005, HP:0000090.
Senior-Loken syndrome 5 (SLSN5). Identifiers: Orphanet 3156, MedGen C1836517, MONDO:0012225, OMIM 609254.

Submissions (9):

PreventionGenetics, part of Exact Sciences
Classification: Pathogenic for IQCB1-related condition. Last evaluated: 2026-08-19. Review status: criteria provided, single submitter. Criteria: ACMG Guidelines, 2015. Collection method: clinical testing. Allele origin: germline.
Comment: The IQCB1 c.897_900dupCTTG variant is predicted to result in a frameshift and premature protein termination (p.Ile301Leufs*42). This variant has been reported along with a second IQCB1 variant in individuals with nephronophthisis-associated ciliopathy or unspecified retinal disease (Halbritter et al. 2012. PubMed ID: 23188109; Table S1, Lin et al. 2024. PubMed ID: 38219857). This variant is present in 0.012% of alleles in individuals of European (Non-Finnish) descent in gnomAD. Frameshift variants in IQCB1 are an established mechanism of disease. This variant is interpreted as pathogenic.

Labcorp Genetics (formerly Invitae), Labcorp
Classification: Pathogenic for Nephronophthisis. Last evaluated: 2025-04-16. Review status: criteria provided, single submitter. Criteria: Invitae Variant Classification Sherloc (09022015). Collection method: clinical testing. Allele origin: germline.
Comment: This sequence change creates a premature translational stop signal (p.Ile301Leufs*42) in the IQCB1 gene. It is expected to result in an absent or disrupted protein product. Loss-of-function variants in IQCB1 are known to be pathogenic (PMID: 15723066, 21901789, 23559409, 28041643). This variant is present in population databases (rs745340459, gnomAD 0.01%). This premature translational stop signal has been observed in individuals with nephronophthisis-related ciliopathies, including Senior-Loken syndrome (PMID: 23188109, 23559409, 26673778). ClinVar contains an entry for this variant (Variation ID: 403963). For these reasons, this variant has been classified as Pathogenic.

GeneDx
Classification: Pathogenic. Last evaluated: 2024-09-18. Review status: criteria provided, single submitter. Criteria: GeneDx Variant Classification Process June 2021. Collection method: clinical testing. Allele origin: germline. Affected: yes.
Comment: Frameshift variant predicted to result in protein truncation or nonsense mediated decay in a gene for which loss-of-function is a known mechanism of disease; This variant is associated with the following publications: (PMID: 31964843, 26673778, 35409265, 38219857, 38522724, 29974258, 23559409, 23188109, 30586318)

Fulgent Genetics
Classification: Pathogenic for Senior-Loken syndrome 5. Last evaluated: 2024-06-18. Review status: criteria provided, single submitter. Criteria: ACMG Guidelines, 2015. Collection method: clinical testing. Allele origin: germline.

Blueprint Genetics
Classification: Pathogenic for IQCB1-related disorders. Last evaluated: 2023-09-06. Review status: criteria provided, single submitter. Criteria: ACMG Guidelines, 2015. Collection method: clinical testing. Allele origin: germline. Affected: yes. Observed: 5 variant alleles.

Revvity Omics, Revvity
Classification: Pathogenic for Senior-Loken syndrome 5. Last evaluated: 2019-10-31. Review status: criteria provided, single submitter. Criteria: ACMG Guidelines, 2015. Collection method: clinical testing. Allele origin: germline.

Gharavi Laboratory, Columbia University
Classification: Pathogenic. Last evaluated: 2018-09-16. Review status: no assertion criteria provided. Criteria: ACMG Guidelines, 2015. Collection method: research. Allele origin: germline. Affected: yes. Not counted in ClinVar's aggregate classification.

Sydney Genome Diagnostics, Children's Hospital Westmead
Classification: Likely pathogenic for Nephronophthisis. Last evaluated: 2018-03-02. Review status: no assertion criteria provided. Collection method: clinical testing. Allele origin: unknown. Affected: yes. Observed: 1 variant allele, 1 compound heterozygote. Not counted in ClinVar's aggregate classification.
Comment: This frameshifting variant is predicted to create a premature stop codon p.(Cys253Serfs*9) and may result in a null allele due to nonsense-mediated mRNA decay. This variant has been listed in the ExAC database with a very low allele frequency of 0.001% (1 out of 118,070 alleles). The c.758del variant has been reported in a compound heterozygous state with another truncating variant in a patient with Senior-Loken syndrome (Halbritter et al. 2012 J Med Genet 49:756-767). This variant is considered to be likely pathogenic according to the ACMG guidelines.

Joint Genome Diagnostic Labs from Nijmegen and Maastricht, Radboudumc and MUMC+
Classification: Pathogenic for Senior-Loken syndrome 5. Last evaluated: 2016-09-01. Review status: no assertion criteria provided. Collection method: clinical testing. Allele origin: inherited. Affected: yes. Observed: 1 variant allele. Not counted in ClinVar's aggregate classification.

Literature cited by the submitters: PubMed 15723066 (cited by Labcorp Genetics (formerly Invitae), Labcorp); PubMed 21901789 (cited by Labcorp Genetics (formerly Invitae), Labcorp); PubMed 23559409 (cited by Labcorp Genetics (formerly Invitae), Labcorp); PubMed 28041643 (cited by Labcorp Genetics (formerly Invitae), Labcorp); PubMed 23188109 (cited by Labcorp Genetics (formerly Invitae), Labcorp); PubMed 26673778 (cited by Labcorp Genetics (formerly Invitae), Labcorp).

NM_001023570.4(IQCB1):c.897_900dup (p.Ile301fs)

Gene: IQCB1 (IQ motif containing B1; minus strand). Cytogenetic location: 3q13.33.
Variant type: Duplication.
Coding change: c.897_900dup on transcript NM_001023570.4 (MANE Select); coding-DNA positions 897 to 900, 4 bases duplicated (CTTG; older notation c.897_900dupCTTG).
Protein change: p.Ile301fs; shifts the reading frame from isoleucine 301.
Molecular consequence: frameshift variant. On other transcripts: intron variant (1).
Genome position (GRCh38, 1-based): chr3:121,795,543-121,795,546, CAAG duplicated on the plus strand (CTTG on the coding strand, the reverse complement: IQCB1 is on the minus strand); duplicating any 4 consecutive bases within chr3:121,795,543-121,795,548 gives the same sequence; the c. name uses the placement nearest the transcript's 3' end. VCF-style (leftmost placement, unchanged base first): chr3-121795542-T-TCAAG. GRCh37 (hg19) VCF-style: chr3-121514389-T-TCAAG.
Other names: c.897_900dup, p.Ile301fs (NM_001319107.2); c.588-5331_588-5328dup (NM_001023571.4); c.897_900dupCTTG (NM_001023570.3, NM_001023570.2); short protein forms I301fs.
Identifiers: ClinVar variation 403963 (VCV000403963.24), dbSNP rs745340459, ClinGen allele CA2567255.